The following is an entry in ClinVar:

ClinVar aggregate classification (germline): Uncertain significance (1 of 4 stars; one submission).

Submission:

Labcorp Genetics (formerly Invitae), Labcorp
Classification: Uncertain significance. Last evaluated: 2023-10-05. Review status: criteria provided, single submitter. Criteria: Invitae Variant Classification Sherloc (09022015). Collection method: clinical testing. Allele origin: unknown.
Comment: This variant results in a copy number gain of the genomic region encompassing exon(s) 15 of the ZMYND11 gene. This region includes the termination codon of the gene. This copy number gain extends beyond the assayed region for this gene and therefore may encompass additional genes. As the precise location of this event is unknown, it may be in tandem or it may be located elsewhere in the genome. This variant has not been reported in the literature in individuals affected with ZMYND11-related conditions. In summary, the available evidence is currently insufficient to determine the role of this variant in disease. Therefore, it has been classified as a Variant of Uncertain Significance.

NC_000010.10:g.(?_298268)_(298410_?)dup

Gene: ZMYND11 (zinc finger MYND-type containing 11; plus strand). Cytogenetic location: 10p15.3.
Variant type: Duplication.
Identifiers: ClinVar variation 3244986 (VCV003244986.1).